The following is an entry in ClinVar:

ClinVar aggregate classification (germline): Uncertain significance (1 of 4 stars; one submission).

Allele frequency attached by ClinVar (database versions not stated): gnomAD exomes 0.00002; ExAC 0.00003; TOPMed 0.00004; gnomAD 0.00006; 1000 Genomes Project 30x 0.00016; 1000 Genomes Project 0.00020.
gnomAD v4.1: 46 of 1,612,938 alleles (0.0029%); highest among the groups gnomAD compares: Middle Eastern, 0.017%; no homozygotes.

Submission:

Labcorp Genetics (formerly Invitae), Labcorp
Classification: Uncertain significance. Last evaluated: 2024-09-10. Review status: criteria provided, single submitter. Criteria: Invitae Variant Classification Sherloc (09022015). Collection method: clinical testing. Allele origin: germline.
Comment: This sequence change replaces threonine, which is neutral and polar, with methionine, which is neutral and non-polar, at codon 157 of the IL17RD protein (p.Thr157Met). The frequency data for this variant in the population databases is considered unreliable, as metrics indicate poor data quality at this position in the gnomAD database. This variant has not been reported in the literature in individuals affected with IL17RD-related conditions. ClinVar contains an entry for this variant (Variation ID: 2176999). Invitae Evidence Modeling of protein sequence and biophysical properties (such as structural, functional, and spatial information, amino acid conservation, physicochemical variation, residue mobility, and thermodynamic stability) indicates that this missense variant is not expected to disrupt IL17RD protein function with a negative predictive value of 80%. In summary, the available evidence is currently insufficient to determine the role of this variant in disease. Therefore, it has been classified as a Variant of Uncertain Significance.

NM_017563.5(IL17RD):c.470C>T (p.Thr157Met)

Gene: IL17RD (interleukin 17 receptor D; minus strand). Cytogenetic location: 3p14.3.
Variant type: single nucleotide variant.
Coding change: c.470C>T on transcript NM_017563.5 (MANE Select); coding-DNA position 470, C replaced by T.
Protein change: p.Thr157Met; replaces threonine 157 with methionine.
Molecular consequence: missense variant.
Genome position (GRCh38, 1-based): chr3:57,109,617, G>A on the plus strand (C>T on the coding strand, the complement: IL17RD is on the minus strand). VCF-style: chr3-57109617-G-A. GRCh37 (hg19) VCF-style: chr3-57143645-G-A.
Other names: c.470C>T, p.Thr157Met (NM_001080973.1); c.38C>T, p.Thr13Met (NM_001318864.2); short protein forms T157M, T13M.
Identifiers: ClinVar variation 2176999 (VCV002176999.4), dbSNP rs200321574, ClinGen allele CA2463062.